The following is an entry in ClinVar:

NM_000038.6(APC):c.867C>G (p.Ala289=)

Gene: APC (APC regulator of Wnt signaling pathway; plus strand). Cytogenetic location: 5q22.2.
Variant type: single nucleotide variant.
Coding change: c.867C>G on transcript NM_000038.6 (MANE Select); coding-DNA position 867, C replaced by G.
Protein change: p.Ala289=; no amino-acid change (alanine 289 retained).
Molecular consequence: synonymous variant. On other transcripts: non-coding transcript variant (2).
Genome position (GRCh38, 1-based): chr5:112,815,527, C>G. VCF-style: chr5-112815527-C-G. GRCh37 (hg19) VCF-style: chr5-112151224-C-G.
Other names: c.867C>G, p.Ala289= (NM_001127510.3, NM_001354895.2, NM_001354896.2 and 12 more transcripts); c.813C>G, p.Ala271= (NM_001127511.3); c.897C>G, p.Ala299= (NM_001354897.2, NM_001354902.2, NM_001407446.1); c.792C>G, p.Ala264= (NM_001354898.2, NM_001354904.2, NM_001407451.1); c.783C>G, p.Ala261= (NM_001354899.2, NM_001407452.1, NM_001407467.1 and 1 more transcripts); c.690C>G, p.Ala230= (NM_001354900.2, NM_001354901.2, NM_001354905.2 and 1 more transcripts); c.18C>G, p.Ala6= (NM_001354906.2, NM_001407470.1, NM_001407471.1 and 1 more transcripts); c.867C>G (NM_000038.5).
Identifiers: ClinVar variation 3069398 (VCV003069398.5), dbSNP rs2149762899, ClinGen allele CA445755688.

ClinVar aggregate classification (germline): Conflicting classifications of pathogenicity. Review status: criteria provided, conflicting classifications (1 of 4 stars). 4 submissions from 4 submitters: Uncertain significance (1); Benign (1); Likely benign (2). Last evaluated 2025-11-30.

Conditions:
Classic or attenuated familial adenomatous polyposis. Identifiers: MedGen CN372698, MONDO:0021057.
Familial adenomatous polyposis 1 (FAP1). Also called: FAMILIAL ADENOMATOUS POLYPOSIS 1, ATTENUATED; POLYPOSIS, ADENOMATOUS INTESTINAL. Identifiers: MedGen C2713442, MONDO:0021056, OMIM 175100. Disease mechanism: loss of function.

Submissions (4):

Labcorp Genetics (formerly Invitae), Labcorp
Classification: Likely benign for Familial adenomatous polyposis 1. Last evaluated: 2025-11-30. Review status: criteria provided, single submitter. Criteria: Invitae Variant Classification Sherloc (09022015). Collection method: clinical testing. Allele origin: germline.

GeneDx
Classification: Uncertain significance. Last evaluated: 2025-06-25. Review status: criteria provided, single submitter. Criteria: GeneDx Variant Classification Process June 2021. Collection method: clinical testing. Allele origin: germline. Affected: yes.
Comment: Not observed at significant frequency in large population cohorts (gnomAD); In silico analysis suggests that this variant does not alter splicing; Has not been previously published as pathogenic or benign to our knowledge

Myriad Genetics, Inc.
Classification: Benign for Familial adenomatous polyposis 1. Last evaluated: 2024-02-27. Review status: criteria provided, single submitter. Criteria: Myriad Autosomal Dominant, Autosomal Recessive and X-Linked Classification Criteria (2023). Collection method: clinical testing. Allele origin: unknown.
Comment: This variant is considered benign. This variant is a silent/synonymous amino acid change and it is not expected to impact splicing.

All of Us Research Program, National Institutes of Health
Classification: Likely benign for Classic or attenuated familial adenomatous polyposis. Last evaluated: 2023-02-15. Review status: criteria provided, single submitter. Criteria: ACMG Guidelines, 2015. Collection method: clinical testing. Allele origin: germline. Inheritance: Autosomal dominant inheritance. Observed: 2 variant alleles, 2 heterozygotes.
Comment: This study involves interpretation of variants in research participants for the purpose of population health screening. Participant phenotype was not available at the time of variant classification. Additional details can be found in publication PMID: 35346344, PMCID: PMC8962531